The following is an entry in ClinVar:

NM_001384900.1(SEMA3D):c.1075G>T (p.Val359Leu)

Gene: SEMA3D (semaphorin 3D; minus strand). Cytogenetic location: 7q21.11.
Variant type: single nucleotide variant.
Coding change: c.1075G>T on transcript NM_001384900.1 (MANE Select); coding-DNA position 1075, G replaced by T.
Protein change: p.Val359Leu; replaces valine 359 with leucine.
Molecular consequence: missense variant.
Genome position (GRCh38, 1-based): chr7:85,037,005, C>A on the plus strand (G>T on the coding strand, the complement: SEMA3D is on the minus strand). VCF-style: chr7-85037005-C-A. GRCh37 (hg19) VCF-style: chr7-84666321-C-A.
Other names: c.1075G>T, p.Val359Leu (NM_001384901.1, NM_001384902.1, NM_001384903.1 and 1 more transcripts); short protein forms V359L.
Identifiers: ClinVar variation 3794043 (VCV003794043.2).

ClinVar aggregate classification (germline): Uncertain significance. Review status: criteria provided, multiple submitters, no conflicts (2 of 4 stars). 2 submissions from 2 submitters: Uncertain significance (2). Last evaluated 2026-08-03.

Conditions:
SEMA3D-related disorder. Also called: SEMA3D-related condition.

gnomAD v4.1: 23 of 1,612,658 alleles (0.0014%); highest among the groups gnomAD compares: Middle Eastern, 0.016%; no homozygotes.

Submissions (2):

PreventionGenetics, part of Exact Sciences
Classification: Uncertain significance for SEMA3D-related condition. Last evaluated: 2026-08-03. Review status: criteria provided, single submitter. Criteria: ACMG Guidelines, 2015. Collection method: clinical testing. Allele origin: germline.
Comment: The SEMA3D c.1075G>T variant is predicted to result in the amino acid substitution p.Val359Leu. To our knowledge, this variant has not been reported in the literature. This variant is reported in 0.00089% of alleles in individuals of European (Non-Finnish) descent in gnomAD. At this time, the clinical significance of this variant is uncertain due to the absence of conclusive functional and genetic evidence.

Ambry Genetics
Classification: Uncertain significance. Last evaluated: 2025-01-27. Review status: criteria provided, single submitter. Criteria: Ambry Variant Classification Scheme 2023. Collection method: clinical testing. Allele origin: germline.